The following is an entry in ClinVar:

ClinVar aggregate classification (germline): Uncertain significance. Review status: criteria provided, multiple submitters, no conflicts (2 of 4 stars). 2 submissions from 2 submitters: Uncertain significance (2). Last evaluated 2025-04-08.

Conditions:
Early-infantile DEE. Also called: Early infantile epileptic encephalopathy; Early infantile epileptic encephalopathy with suppression bursts; Ohtahara syndrome. Identifiers: Orphanet 1934, MedGen C0393706, MONDO:0800491.
Inborn genetic diseases. Identifiers: MedGen C0950123, MeSH D030342.

Allele frequency attached by ClinVar (database versions not stated): gnomAD 0.00001; TOPMed 0.00003.
gnomAD v4.1: 5 of 1,599,606 alleles (0.00031%); highest among the groups gnomAD compares: African/African-American, 0.0027%; no homozygotes.

Submissions (2):

Labcorp Genetics (formerly Invitae), Labcorp
Classification: Uncertain significance for Early-infantile DEE. Last evaluated: 2025-04-08. Review status: criteria provided, single submitter. Criteria: Invitae Variant Classification Sherloc (09022015). Collection method: clinical testing. Allele origin: germline.
Comment: This sequence change replaces valine, which is neutral and non-polar, with methionine, which is neutral and non-polar, at codon 865 of the KCNQ2 protein (p.Val865Met). The frequency data for this variant in the population databases is considered unreliable, as metrics indicate poor data quality at this position in the gnomAD database. This variant has not been reported in the literature in individuals affected with KCNQ2-related conditions. ClinVar contains an entry for this variant (Variation ID: 1981183). Invitae Evidence Modeling of protein sequence and biophysical properties (such as structural, functional, and spatial information, amino acid conservation, physicochemical variation, residue mobility, and thermodynamic stability) indicates that this missense variant is not expected to disrupt KCNQ2 protein function with a negative predictive value of 95%. In summary, the available evidence is currently insufficient to determine the role of this variant in disease. Therefore, it has been classified as a Variant of Uncertain Significance.

Ambry Genetics
Classification: Uncertain significance for Inborn genetic diseases. Last evaluated: 2023-06-30. Review status: criteria provided, single submitter. Criteria: Ambry Variant Classification Scheme 2023. Collection method: clinical testing. Allele origin: germline.

NM_172107.4(KCNQ2):c.2593G>A (p.Val865Met)

Gene: KCNQ2 (potassium voltage-gated channel subfamily Q member 2; minus strand). Cytogenetic location: 20q13.33.
Variant type: single nucleotide variant.
Coding change: c.2593G>A on transcript NM_172107.4 (MANE Select); coding-DNA position 2593, G replaced by A.
Protein change: p.Val865Met; replaces valine 865 with methionine.
Molecular consequence: missense variant.
Genome position (GRCh38, 1-based): chr20:63,406,670, C>T on the plus strand (G>A on the coding strand, the complement: KCNQ2 is on the minus strand). VCF-style: chr20-63406670-C-T. GRCh37 (hg19) VCF-style: chr20-62038023-C-T.
Other names: c.2647G>A, p.Val883Met (NM_001382235.1); c.2509G>A, p.Val837Met (NM_004518.6); c.2539G>A, p.Val847Met (NM_172106.3); c.2500G>A, p.Val834Met (NM_172108.5); c.2593G>A (NM_172107.2); short protein forms V837M, V883M, V834M, V865M, V847M.
Identifiers: ClinVar variation 1981183 (VCV001981183.6), dbSNP rs1017972751, ClinGen allele CA317421518.